The following is an entry in ClinVar:

NM_000093.5(COL5A1):c.*58C>T

Genes: COL5A1 (collagen type V alpha 1 chain; plus strand), LOC101448202 (uncharacterized LOC101448202; minus strand). Cytogenetic location: 9q34.3.
Variant type: single nucleotide variant.
Coding change: c.*58C>T on transcript NM_000093.5 (MANE Select); 58 bases downstream of the stop codon, C replaced by T.
Molecular consequence: 3 prime UTR variant.
Genome position (GRCh38, 1-based): chr9:134,842,361, C>T. VCF-style: chr9-134842361-C-T. GRCh37 (hg19) VCF-style: chr9-137734207-C-T.
Other names: c.*58C>T (NM_001278074.1).
Identifiers: ClinVar variation 365739 (VCV000365739.37), dbSNP rs56259444, ClinGen allele CA10633167.

ClinVar aggregate classification (germline): Benign. Review status: criteria provided, multiple submitters, no conflicts (2 of 4 stars). 2 submissions from 2 submitters: Benign (2). Last evaluated 2022-11-01.

Conditions:
Ehlers-Danlos syndrome, classic type (cEDS). Identifiers: Orphanet 287, MedGen C4225429, MONDO:0007522.

Allele frequency attached by ClinVar (database versions not stated): 1000 Genomes Project 0.00100; 1000 Genomes Project 30x 0.00125; TOPMed 0.00182; gnomAD 0.00207 and 0.00209.
gnomAD v4.1: 4,154 of 1,599,766 alleles (0.26%); highest among the groups gnomAD compares: South Asian, 0.33%; 18 homozygotes.

Submissions (2):

CeGaT Center for Human Genetics Tuebingen
Classification: Benign. Last evaluated: 2022-11-01. Review status: criteria provided, single submitter. Criteria: CeGaT Center For Human Genetics Tuebingen Variant Classification Criteria Version 2. Collection method: clinical testing. Allele origin: germline. Affected: yes. Observed: 2 variant alleles.
Comment: COL5A1: BS1, BS2

Illumina Laboratory Services, Illumina
Classification: Benign for Ehlers-Danlos syndrome, classic type, 1. Last evaluated: 2018-01-13. Review status: criteria provided, single submitter. Criteria: ICSL Variant Classification Criteria 13 December 2019. Collection method: clinical testing. Allele origin: germline.
Comment: This variant was observed in the ICSL laboratory as part of a predisposition screen in an ostensibly healthy population. It had not been previously curated by ICSL or reported in the Human Gene Mutation Database (HGMD: prior to June 1st, 2018), and was therefore a candidate for classification through an automated scoring system. Utilizing variant allele frequency, disease prevalence and penetrance estimates, and inheritance mode, an automated score was calculated to assess if this variant is too frequent to cause the disease. Based on the score and internal cut-off values, a variant classified as benign is not then subjected to further curation. The score for this variant resulted in a classification of benign for this disease.